The following is an entry in ClinVar:

ClinVar aggregate classification (germline): Uncertain significance. Review status: criteria provided, multiple submitters, no conflicts (2 of 4 stars). 4 submissions from 4 submitters: Uncertain significance (4). Last evaluated 2025-06-17.

Conditions:
Hereditary cancer-predisposing syndrome. Also called: Tumor predisposition; Neoplastic Syndromes, Hereditary; Hereditary Cancer Syndrome; Hereditary neoplastic syndrome. Identifiers: Orphanet 140162, MedGen C0027672, MeSH D009386, MONDO:0015356.
Ataxia-telangiectasia syndrome (AT). Also called: LOUIS-BAR SYNDROME; Ataxia-telangiectasia, complementation group D; AT, COMPLEMENTATION GROUP C; ATAXIA-TELANGIECTASIA, COMPLEMENTATION GROUP A; ATAXIA-TELANGIECTASIA, FRESNO VARIANT; Ataxia-telangiectasia, complementation group E. Identifiers: Orphanet 100, MedGen C0004135, MONDO:0008840, OMIM 208900.

Submissions (4):

St. Jude Molecular Pathology, St. Jude Children's Research Hospital
Classification: Uncertain significance for Ataxia-telangiectasia syndrome. Last evaluated: 2025-06-17. Review status: criteria provided, single submitter. Criteria: St. Jude Assertion Criteria 2020. Collection method: clinical testing. Allele origin: germline.
Comment: The ATM c.1246G>C p.(Ala416Pro) missense change is absent in gnomAD v2.1.1. The in silico tool REVEL predicts a benign effect on protein function, but to our knowledge this prediction has not been confirmed by functional studies. To our knowledge, this variant has not been reported in individuals with ataxia telangiectasia. In summary, the evidence currently available is insufficient to determine the clinical significance of this variant. It has therefore been classified as of uncertain significance.

Ambry Genetics
Classification: Uncertain significance for Hereditary cancer-predisposing syndrome. Last evaluated: 2025-01-24. Review status: criteria provided, single submitter. Criteria: Ambry Variant Classification Scheme 2023. Collection method: clinical testing. Allele origin: germline.
Comment: The p.A416P variant (also known as c.1246G>C), located in coding exon 9 of the ATM gene, results from a G to C substitution at nucleotide position 1246. The alanine at codon 416 is replaced by proline, an amino acid with highly similar properties. This amino acid position is not well conserved in available vertebrate species. In addition, this alteration is predicted to be tolerated by in silico analysis. Based on the available evidence, the clinical significance of this variant remains unclear.

Labcorp Genetics (formerly Invitae), Labcorp
Classification: Uncertain significance for Ataxia-telangiectasia syndrome. Last evaluated: 2023-12-14. Review status: criteria provided, single submitter. Criteria: Invitae Variant Classification Sherloc (09022015). Collection method: clinical testing. Allele origin: germline.
Comment: This sequence change replaces alanine, which is neutral and non-polar, with proline, which is neutral and non-polar, at codon 416 of the ATM protein (p.Ala416Pro). This variant is not present in population databases (gnomAD no frequency). This variant has not been reported in the literature in individuals affected with ATM-related conditions. An algorithm developed to predict the effect of missense changes on protein structure and function (PolyPhen-2) suggests that this variant is likely to be tolerated. In summary, the available evidence is currently insufficient to determine the role of this variant in disease. Therefore, it has been classified as a Variant of Uncertain Significance.

GeneDx
Classification: Uncertain significance. Last evaluated: 2023-10-24. Review status: criteria provided, single submitter. Criteria: GeneDx Variant Classification Process June 2021. Collection method: clinical testing. Allele origin: germline. Affected: yes.
Comment: Not observed at significant frequency in large population cohorts (gnomAD); In silico analysis supports that this missense variant does not alter protein structure/function; Has not been previously published as pathogenic or benign to our knowledge

NM_000051.4(ATM):c.1246G>C (p.Ala416Pro)

Gene: ATM (ATM serine/threonine kinase; plus strand). Cytogenetic location: 11q22.3.
Variant type: single nucleotide variant.
Coding change: c.1246G>C on transcript NM_000051.4 (MANE Select); coding-DNA position 1246, G replaced by C.
Protein change: p.Ala416Pro; replaces alanine 416 with proline.
Molecular consequence: missense variant.
Genome position (GRCh38, 1-based): chr11:108,250,711, G>C. VCF-style: chr11-108250711-G-C. GRCh37 (hg19) VCF-style: chr11-108121438-G-C.
Other names: c.1246G>C, p.Ala416Pro (NM_001351834.2); short protein forms A416P.
Identifiers: ClinVar variation 2663978 (VCV002663978.8), dbSNP rs2135315874, ClinGen allele CA382533196.